The following is an entry in ClinVar:

NM_005198.5(CHKB):c.333+10G>T

Genes: CHKB-CPT1B (CHKB-CPT1B readthrough (NMD candidate); minus strand), CHKB (choline kinase beta; minus strand). Cytogenetic location: 22q13.33.
Variant type: single nucleotide variant.
Coding change: c.333+10G>T on transcript NM_005198.5 (MANE Select); 10 bases into the intron after coding-DNA position 333, G replaced by T.
Molecular consequence: intron variant.
Genome position (GRCh38, 1-based): chr22:50,582,239, C>A on the plus strand (G>T on the coding strand, the complement: CHKB is on the minus strand). VCF-style: chr22-50582239-C-A. GRCh37 (hg19) VCF-style: chr22-51020668-C-A.
Other names: p.?.
Identifiers: ClinVar variation 128729 (VCV000128729.23), dbSNP rs86337, ClinGen allele CA152367.

ClinVar aggregate classification (germline): Benign. Review status: criteria provided, multiple submitters, no conflicts (2 of 4 stars). 8 submissions from 8 submitters: Benign (7). 1 of the submissions does not count toward it. Last evaluated 2026-02-04.

Conditions:
Megaconial type congenital muscular dystrophy (MDCMC). Also called: CHKB-Related Muscle Diseases; CHKB-Related Muscular Dystrophy; MUSCULAR DYSTROPHY, CONGENITAL, WITH MITOCHONDRIAL STRUCTURAL ABNORMALITIES. Identifiers: Orphanet 280671, MedGen C1865233, MONDO:0011246, OMIM 602541.

Allele frequency attached by ClinVar (database versions not stated): ESP Exome Variant Server 0.56940; gnomAD 0.59693 and 0.60488; TOPMed 0.60707; gnomAD exomes 0.65696; ExAC 0.70072; 1000 Genomes Project 30x 0.70081; 1000 Genomes Project 0.70327.
gnomAD v4.1: 943,083 of 1,572,346 alleles (60%); highest among the groups gnomAD compares: East Asian, 96%; 287,622 homozygotes.

Submissions (8):

Labcorp Genetics (formerly Invitae), Labcorp
Classification: Benign for Megaconial type congenital muscular dystrophy. Last evaluated: 2026-02-04. Review status: criteria provided, single submitter. Criteria: Invitae Variant Classification Sherloc (09022015). Collection method: clinical testing. Allele origin: germline.

Genome-Nilou Lab
Classification: Benign for Megaconial type congenital muscular dystrophy. Last evaluated: 2021-07-22. Review status: criteria provided, single submitter. Criteria: ACMG Guidelines, 2015. Collection method: clinical testing. Allele origin: germline. Affected: no.

Illumina Laboratory Services, Illumina
Classification: Benign for Megaconial type congenital muscular dystrophy. Last evaluated: 2018-01-13. Review status: criteria provided, single submitter. Criteria: ICSL Variant Classification Criteria 13 December 2019. Collection method: clinical testing. Allele origin: germline.
Comment: This variant was observed in the ICSL laboratory as part of a predisposition screen in an ostensibly healthy population. It had not been previously curated by ICSL or reported in the Human Gene Mutation Database (HGMD: prior to June 1st, 2018), and was therefore a candidate for classification through an automated scoring system. Utilizing variant allele frequency, disease prevalence and penetrance estimates, and inheritance mode, an automated score was calculated to assess if this variant is too frequent to cause the disease. Based on the score and internal cut-off values, a variant classified as benign is not then subjected to further curation. The score for this variant resulted in a classification of benign for this disease.

Mayo Clinic Laboratories, Mayo Clinic
Classification: Benign. Last evaluated: 2017-10-11. Review status: criteria provided, single submitter. Criteria: ACMG Guidelines, 2015. Collection method: clinical testing. Allele origin: germline. Observed: 543 variant alleles.

GeneDx
Classification: Benign. Last evaluated: 2015-12-02. Review status: criteria provided, single submitter. Criteria: GeneDx Variant Classification (06012015). Collection method: clinical testing. Allele origin: germline. Affected: yes.
Comment: This variant is considered likely benign or benign based on one or more of the following criteria: it is a conservative change, it occurs at a poorly conserved position in the protein, it is predicted to be benign by multiple in silico algorithms, and/or has population frequency not consistent with disease.

Breakthrough Genomics
Classification: Benign. Review status: criteria provided, single submitter. Criteria: ACMG Guidelines, 2015. Collection method: not provided. Allele origin: germline. Inheritance: Autosomal recessive inheritance. Affected: yes.

PreventionGenetics, part of Exact Sciences
Classification: Benign. Review status: criteria provided, single submitter. Criteria: ACMG Guidelines, 2015. Collection method: clinical testing. Allele origin: germline.

Genetic Services Laboratory, University of Chicago
Classification: Likely benign for AllHighlyPenetrant. Review status: no assertion criteria provided. Collection method: clinical testing. Allele origin: germline. Inheritance: Autosomal recessive inheritance. Not counted in ClinVar's aggregate classification.
Comment: Likely benign based on allele frequency in 1000 Genomes Project or ESP global frequency and its presence in a patient with a rare or unrelated disease phenotype. NOT Sanger confirmed.